The following is an entry in ClinVar:

NM_000138.5(FBN1):c.1838-1G>T

Gene: FBN1 (fibrillin 1; minus strand). Cytogenetic location: 15q21.1.
Variant type: single nucleotide variant.
Coding change: c.1838-1G>T on transcript NM_000138.5 (MANE Select); the canonical splice acceptor site of the intron before coding-DNA position 1838, G replaced by T.
Molecular consequence: splice acceptor variant.
Genome position (GRCh38, 1-based): chr15:48,505,148, C>A on the plus strand (G>T on the coding strand, the complement: FBN1 is on the minus strand). VCF-style: chr15-48505148-C-A. GRCh37 (hg19) VCF-style: chr15-48797345-C-A.
Other names: c.1838-1G>T (NM_001406716.1).
Identifiers: ClinVar variation 993833 (VCV000993833.8), dbSNP rs1555399840, ClinGen allele CA392339215.

ClinVar aggregate classification (germline): Pathogenic (1 of 4 stars; one submission).

Submission:

ARUP Laboratories, Molecular Genetics and Genomics, ARUP Laboratories
Classification: Pathogenic. Last evaluated: 2019-11-20. Review status: criteria provided, single submitter. Criteria: ARUP Molecular Germline Variant Investigation Process. Collection method: clinical testing. Allele origin: germline.
Comment: The FBN1 c.1838-1G>T variant, to our knowledge, is not reported in the medical literature or gene-specific databases. This variant is also absent from general population databases (Exome Variant Server, Genome Aggregation Database), indicating it is not a common polymorphism. This variant abolishes the canonical splice acceptor site of intron 14, which is likely to disrupt gene function. Other variants affecting the same splice acceptor site (c.1838-2A>G, c.1838-1G>A, c.1838-1G>C) have been reported in individuals with Marfan syndrome, suggesting disruption of this splice site is associated with disease (Franken 2016, Loeys 2004). Based on available information, the c.1838-1G>T variant is considered to be pathogenic. References: Franken R et al. Genotype impacts survival in Marfan syndrome. Eur Heart J. 2016 Nov 14;37(43):3285-3290. Loeys B et al. Comprehensive molecular screening of the FBN1 gene favors locus homogeneity of classical Marfan syndrome. Hum Mutat. 2004 Aug;24(2):140-6.